The following is an entry in ClinVar:

ClinVar aggregate classification (germline): Likely pathogenic (1 of 4 stars; one submission).

Allele frequency attached by ClinVar (database versions not stated): gnomAD exomes 0.00001 and 0.00002; ExAC 0.00004.

Submission:

GeneDx
Classification: Likely pathogenic. Last evaluated: 2017-08-23. Review status: criteria provided, single submitter. Criteria: GeneDx Variant Classification (06012015). Collection method: clinical testing. Allele origin: germline. Affected: yes.
Comment: The Q56X variant in the ALOX12B gene has not been reported previously as a pathogenic variant nor as a benign variant, to our knowledge. This variant is predicted to cause loss of normal protein function either through protein truncation or nonsense-mediated mRNA decay. The Q56X variant is observed with very low frequency in 5/65,134 alleles (0.0076%) from individuals of non-Finnish European background in the ExAC dataset, indicating it is not a common, benign variant (Lek et al., 2016). We interpret Q56X as a likely pathogenic variant.

NM_001139.3(ALOX12B):c.166C>T (p.Gln56Ter)

Gene: ALOX12B (arachidonate 12-lipoxygenase, 12R type; minus strand). Cytogenetic location: 17p13.1.
Variant type: single nucleotide variant.
Coding change: c.166C>T on transcript NM_001139.3 (MANE Select); coding-DNA position 166, C replaced by T.
Protein change: p.Gln56Ter; replaces glutamine 56 with a stop codon.
Molecular consequence: nonsense.
Genome position (GRCh38, 1-based): chr17:8,086,202, G>A on the plus strand (C>T on the coding strand, the complement: ALOX12B is on the minus strand). VCF-style: chr17-8086202-G-A. GRCh37 (hg19) VCF-style: chr17-7989520-G-A.
Other names: c.166C>T, p.Gln56Ter (LRG_1264t1); short protein forms Q56*.
Identifiers: ClinVar variation 451501 (VCV000451501.2), dbSNP rs764105296, ClinGen allele CA8367739.